The following is an entry in ClinVar:

ClinVar aggregate classification (germline): Uncertain significance (1 of 4 stars; one submission).

Submission:

GeneDx
Classification: Uncertain significance. Last evaluated: 2026-02-25. Review status: criteria provided, single submitter. Criteria: GeneDx Variant Classification Process June 2021. Collection method: clinical testing. Allele origin: germline.
Comment: Not observed at significant frequency in large population cohorts (gnomAD); In silico analysis supports that this missense variant has a deleterious effect on protein structure/function; Has not been previously published as pathogenic or benign to our knowledge

NM_000504.4(F10):c.737G>A (p.Cys246Tyr)

Genes: F10 (coagulation factor X; plus strand), F10-AS2 (F10 antisense RNA 2; minus strand). Cytogenetic location: 13q34.
Variant type: single nucleotide variant.
Coding change: c.737G>A on transcript NM_000504.4 (MANE Select); coding-DNA position 737, G replaced by A.
Protein change: p.Cys246Tyr; replaces cysteine 246 with tyrosine.
Molecular consequence: missense variant.
Genome position (GRCh38, 1-based): chr13:113,144,085, G>A. VCF-style: chr13-113144085-G-A. GRCh37 (hg19) VCF-style: chr13-113798399-G-A.
Other names: c.605G>A, p.Cys202Tyr (NM_001312674.2); c.737G>A, p.Cys246Tyr (NM_001312675.2); short protein forms C202Y, C246Y.
Identifiers: ClinVar variation 4527444 (VCV004527444.2).